The following is an entry in ClinVar:

NM_004268.5(MED17):c.774_774+1delinsTT

Gene: MED17 (mediator complex subunit 17; plus strand). Cytogenetic location: 11q21.
Variant type: Indel.
Coding change: c.774_774+1delinsTT on transcript NM_004268.5 (MANE Select); coding-DNA position 774 through the canonical splice donor site of the intron after coding-DNA position 774, GG replaced by TT.
Molecular consequence: splice donor variant.
Genome position (GRCh38, 1-based): chr11:93,793,864-93,793,865, GG replaced by TT. VCF-style: chr11-93793864-GG-TT. GRCh37 (hg19) VCF-style: chr11-93527030-GG-TT.
Identifiers: ClinVar variation 2842629 (VCV002842629.3), dbSNP rs2497527611, ClinGen allele CA2739270741.

ClinVar aggregate classification (germline): Likely pathogenic (1 of 4 stars; one submission).

Submission:

Labcorp Genetics (formerly Invitae), Labcorp
Classification: Likely pathogenic. Last evaluated: 2023-03-03. Review status: criteria provided, single submitter. Criteria: Invitae Variant Classification Sherloc (09022015). Collection method: clinical testing. Allele origin: germline.
Comment: In summary, the currently available evidence indicates that the variant is pathogenic, but additional data are needed to prove that conclusively. Therefore, this variant has been classified as Likely Pathogenic. This variant has not been reported in the literature in individuals affected with MED17-related conditions. Information on the frequency of this variant in the gnomAD database is not available, as this variant may be reported differently in the database. This variant results in the deletion of part of exon 4 (c.774_774+1delinsTT) of the MED17 gene. It is expected to disrupt RNA splicing. Variants that disrupt the donor or acceptor splice site typically lead to a loss of protein function (PMID: 16199547), and loss-of-function variants in MED17 are known to be pathogenic (PMID: 20950787, 26004231, 30345598).

Literature cited by the submitters: PubMed 16199547; PubMed 20950787; PubMed 26004231; PubMed 30345598.